The following is an entry in ClinVar:

NM_014915.3(ANKRD26):c.5123A>T (p.Tyr1708Phe)

Gene: ANKRD26 (ankyrin repeat domain 26; minus strand). Cytogenetic location: 10p12.1.
Variant type: single nucleotide variant.
Coding change: c.5123A>T on transcript NM_014915.3 (MANE Select); coding-DNA position 5123, A replaced by T.
Protein change: p.Tyr1708Phe; replaces tyrosine 1708 with phenylalanine.
Molecular consequence: missense variant.
Genome position (GRCh38, 1-based): chr10:27,005,600, T>A on the plus strand (A>T on the coding strand, the complement: ANKRD26 is on the minus strand). VCF-style: chr10-27005600-T-A. GRCh37 (hg19) VCF-style: chr10-27294529-T-A.
Other names: c.5120A>T, p.Tyr1707Phe (NM_001256053.2); short protein forms Y1707F, Y1708F.
Identifiers: ClinVar variation 4842371 (VCV004842371.1).

ClinVar aggregate classification (germline): Uncertain significance (1 of 4 stars; one submission).

Conditions:
Inborn genetic diseases. Identifiers: MedGen C0950123, MeSH D030342.

gnomAD v4.1: 1 of 1,610,318 alleles (0.000062%); highest among the groups gnomAD compares: South Asian, 0.0011%; no homozygotes.

Submission:

Ambry Genetics
Classification: Uncertain significance for Inborn genetic diseases. Last evaluated: 2026-01-14. Review status: criteria provided, single submitter. Criteria: Ambry Variant Classification Scheme 2023. Collection method: clinical testing. Allele origin: germline.
Comment: The p.Y1708F variant (also known as c.5123A>T), located in coding exon 34 of the ANKRD26 gene, results from an A to T substitution at nucleotide position 5123. The tyrosine at codon 1708 is replaced by phenylalanine, an amino acid with highly similar properties. This amino acid position is conserved. In addition, this alteration is predicted to be tolerated by in silico analysis. Based on the available evidence, the clinical significance of this variant remains unclear.